The following is an entry in ClinVar:

NM_002474.3(MYH11):c.4442A>G (p.Lys1481Arg)

Genes: NDE1 (nudE neurodevelopment protein 1; plus strand), MYH11 (myosin heavy chain 11; minus strand). Cytogenetic location: 16p13.11.
Variant type: single nucleotide variant.
Coding change: c.4442A>G on transcript NM_002474.3 (MANE Select); coding-DNA position 4442, A replaced by G.
Protein change: p.Lys1481Arg; replaces lysine 1481 with arginine.
Molecular consequence: missense variant. On other transcripts: intron variant (2).
Genome position (GRCh38, 1-based): chr16:15,721,558, T>C on the plus strand (A>G on the coding strand, the complement: MYH11 is on the minus strand). VCF-style: chr16-15721558-T-C. GRCh37 (hg19) VCF-style: chr16-15815415-T-C.
Other names: c.4463A>G, p.Lys1488Arg (NM_001040113.2, NM_001040114.2); c.4442A>G, p.Lys1481Arg (NM_022844.3); c.948-2633T>C (NM_001143979.2, NM_017668.3); short protein forms K1481R, K1488R.
Identifiers: ClinVar variation 3400670 (VCV003400670.5).

ClinVar aggregate classification (germline): Uncertain significance. Review status: criteria provided, multiple submitters, no conflicts (2 of 4 stars). 3 submissions from 3 submitters: Uncertain significance (3). Last evaluated 2025-10-27.

Conditions:
Familial thoracic aortic aneurysm and aortic dissection (TAAD). Also called: Thoracic aortic aneurysms and dissections. Identifiers: Orphanet 91387, MedGen C4707243, MONDO:0019625.
Aortic aneurysm, familial thoracic 4 (AAT4). Also called: AORTIC ANEURYSM/AORTIC DISSECTION AND PATENT DUCTUS ARTERIOSUS. Identifiers: MedGen C1851504, MONDO:0007568, OMIM 132900.

gnomAD v4.1: 1 of 1,614,096 alleles (0.000062%); highest among the groups gnomAD compares: Non-Finnish European, 0.000085%; no homozygotes.

Submissions (3):

Ambry Genetics
Classification: Uncertain significance for Familial thoracic aortic aneurysm and aortic dissection. Last evaluated: 2025-10-27. Review status: criteria provided, single submitter. Criteria: Ambry Variant Classification Scheme 2023. Collection method: clinical testing. Allele origin: germline.
Comment: The p.K1481R variant (also known as c.4442A>G), located in coding exon 31 of the MYH11 gene, results from an A to G substitution at nucleotide position 4442. The lysine at codon 1481 is replaced by arginine, an amino acid with highly similar properties. This amino acid position is conserved. In addition, the in silico prediction for this alteration is inconclusive. Based on the available evidence, the clinical significance of this variant remains unclear.

Color Diagnostics, LLC DBA Color Health
Classification: Uncertain significance for Familial thoracic aortic aneurysm and aortic dissection. Last evaluated: 2025-06-25. Review status: criteria provided, single submitter. Criteria: ACMG Guidelines, 2015. Collection method: clinical testing. Allele origin: germline.
Comment: This missense variant replaces lysine with arginine at codon 1488 of the MYH11 protein. Computational prediction suggests that this variant may not impact protein structure and function. To our knowledge, functional studies have not been reported for this variant. This variant has not been reported in individuals affected with MYH11-related disorders in the literature. This variant has not been identified in the general population by the Genome Aggregation Database (gnomAD). The available evidence is insufficient to determine the role of this variant in disease conclusively. Therefore, this variant is classified as a Variant of Uncertain Significance.

Labcorp Genetics (formerly Invitae), Labcorp
Classification: Uncertain significance for Aortic aneurysm, familial thoracic 4. Last evaluated: 2024-09-09. Review status: criteria provided, single submitter. Criteria: Invitae Variant Classification Sherloc (09022015). Collection method: clinical testing. Allele origin: germline.
Comment: This sequence change replaces lysine, which is basic and polar, with arginine, which is basic and polar, at codon 1488 of the MYH11 protein (p.Lys1488Arg). This variant is not present in population databases (gnomAD no frequency). This variant has not been reported in the literature in individuals affected with MYH11-related conditions. Invitae Evidence Modeling of protein sequence and biophysical properties (such as structural, functional, and spatial information, amino acid conservation, physicochemical variation, residue mobility, and thermodynamic stability) indicates that this missense variant is not expected to disrupt MYH11 protein function with a negative predictive value of 95%. In summary, the available evidence is currently insufficient to determine the role of this variant in disease. Therefore, it has been classified as a Variant of Uncertain Significance.